The following is an entry in ClinVar:

ClinVar aggregate classification (germline): Uncertain significance. Review status: criteria provided, multiple submitters, no conflicts (2 of 4 stars). 2 submissions from 2 submitters: Uncertain significance (2). Last evaluated 2025-12-07.

Conditions:
Ataxia-telangiectasia syndrome (AT). Also called: LOUIS-BAR SYNDROME; Cerebello-oculocutaneous telangiectasia; Immunodeficiency with ataxia telangiectasia; Ataxia-telangiectasia, complementation group D; AT, COMPLEMENTATION GROUP C; ATAXIA-TELANGIECTASIA, COMPLEMENTATION GROUP A. Identifiers: Orphanet 100, MedGen C0004135, MONDO:0008840, OMIM 208900.
Hereditary cancer-predisposing syndrome. Also called: Tumor predisposition; Neoplastic Syndromes, Hereditary; Hereditary Cancer Syndrome; Hereditary neoplastic syndrome. Identifiers: Orphanet 140162, MedGen C0027672, MeSH D009386, MONDO:0015356.

Allele frequency attached by ClinVar (database versions not stated): gnomAD exomes below 0.00001.
gnomAD v4.1: 1 of 1,613,918 alleles (0.000062%); highest among the groups gnomAD compares: South Asian, 0.0011%; no homozygotes.

Submissions (2):

Ambry Genetics
Classification: Uncertain significance for Hereditary cancer-predisposing syndrome. Last evaluated: 2025-12-07. Review status: criteria provided, single submitter. Criteria: Ambry Variant Classification Scheme 2023. Collection method: clinical testing. Allele origin: germline.
Comment: The p.L653F variant (also known as c.1957C>T), located in coding exon 12 of the ATM gene, results from a C to T substitution at nucleotide position 1957. The leucine at codon 653 is replaced by phenylalanine, an amino acid with highly similar properties. This amino acid position is highly conserved in available vertebrate species. In addition, this alteration is predicted to be tolerated by in silico analysis. Since supporting evidence is limited at this time, the clinical significance of this alteration remains unclear.

Labcorp Genetics (formerly Invitae), Labcorp
Classification: Uncertain significance for Ataxia-telangiectasia syndrome. Last evaluated: 2024-05-06. Review status: criteria provided, single submitter. Criteria: Invitae Variant Classification Sherloc (09022015). Collection method: clinical testing. Allele origin: germline.
Comment: This sequence change replaces leucine, which is neutral and non-polar, with phenylalanine, which is neutral and non-polar, at codon 653 of the ATM protein (p.Leu653Phe). This variant is not present in population databases (gnomAD no frequency). This variant has not been reported in the literature in individuals affected with ATM-related conditions. ClinVar contains an entry for this variant (Variation ID: 1783331). An algorithm developed to predict the effect of missense changes on protein structure and function (PolyPhen-2) suggests that this variant is likely to be disruptive. In summary, the available evidence is currently insufficient to determine the role of this variant in disease. Therefore, it has been classified as a Variant of Uncertain Significance.

NM_000051.4(ATM):c.1957C>T (p.Leu653Phe)

Gene: ATM (ATM serine/threonine kinase; plus strand). Cytogenetic location: 11q22.3.
Variant type: single nucleotide variant.
Coding change: c.1957C>T on transcript NM_000051.4 (MANE Select); coding-DNA position 1957, C replaced by T.
Protein change: p.Leu653Phe; replaces leucine 653 with phenylalanine.
Molecular consequence: missense variant.
Genome position (GRCh38, 1-based): chr11:108,253,872, C>T. VCF-style: chr11-108253872-C-T. GRCh37 (hg19) VCF-style: chr11-108124599-C-T.
Other names: c.1957C>T, p.Leu653Phe (NM_001351834.2); short protein forms L653F.
Identifiers: ClinVar variation 1783331 (VCV001783331.7), dbSNP rs2135367424, ClinGen allele CA382536760.